The following is an entry in ClinVar:

NM_003482.4(KMT2D):c.5599G>A (p.Gly1867Ser)

Gene: KMT2D (lysine methyltransferase 2D; minus strand). Cytogenetic location: 12q13.12.
Variant type: single nucleotide variant.
Coding change: c.5599G>A on transcript NM_003482.4 (MANE Select); coding-DNA position 5599, G replaced by A.
Protein change: p.Gly1867Ser; replaces glycine 1867 with serine.
Molecular consequence: missense variant.
Genome position (GRCh38, 1-based): chr12:49,043,121, C>T on the plus strand (G>A on the coding strand, the complement: KMT2D is on the minus strand). VCF-style: chr12-49043121-C-T. GRCh37 (hg19) VCF-style: chr12-49436904-C-T.
Other names: short protein forms G1867S.
Identifiers: ClinVar variation 3905768 (VCV003905768.11).

ClinVar aggregate classification (germline): Uncertain significance. Review status: criteria provided, multiple submitters, no conflicts (2 of 4 stars). 2 submissions from 2 submitters: Uncertain significance (2). Last evaluated 2025-12-15.

Conditions:
Kabuki syndrome. Also called: NIIKAWA-KUROKI SYNDROME; Kabuki make-up syndrome. Identifiers: Orphanet 2322, MedGen C0796004, MONDO:0016512.

Submissions (2):

Labcorp Genetics (formerly Invitae), Labcorp
Classification: Uncertain significance for Kabuki syndrome. Last evaluated: 2025-12-15. Review status: criteria provided, single submitter. Criteria: Invitae Variant Classification Sherloc (09022015). Collection method: clinical testing. Allele origin: germline.
Comment: This sequence change replaces glycine, which is neutral and non-polar, with serine, which is neutral and polar, at codon 1867 of the KMT2D protein (p.Gly1867Ser). This variant is not present in population databases (gnomAD no frequency). This variant has not been reported in the literature in individuals affected with KMT2D-related conditions. ClinVar contains an entry for this variant (Variation ID: 3905768). Invitae Evidence Modeling of protein sequence and biophysical properties (such as structural, functional, and spatial information, amino acid conservation, physicochemical variation, residue mobility, and thermodynamic stability) indicates that this missense variant is not expected to disrupt KMT2D protein function with a negative predictive value of 95%. In summary, the available evidence is currently insufficient to determine the role of this variant in disease. Therefore, it has been classified as a Variant of Uncertain Significance.

CeGaT Center for Human Genetics Tuebingen
Classification: Uncertain significance. Last evaluated: 2025-05-01. Review status: criteria provided, single submitter. Criteria: CeGaT Center For Human Genetics Tuebingen Variant Classification Criteria Version 2. Collection method: clinical testing. Allele origin: germline. Affected: yes. Observed: 1 variant allele.